The following is an entry in ClinVar:

NM_002900.3(RBP3):c.228C>T (p.Ala76=)

Gene: RBP3 (retinol binding protein 3; plus strand). Cytogenetic location: 10q11.22.
Variant type: single nucleotide variant.
Coding change: c.228C>T on transcript NM_002900.3 (MANE Select); coding-DNA position 228, C replaced by T.
Protein change: p.Ala76=; no amino-acid change (alanine 76 retained).
Molecular consequence: synonymous variant.
Genome position (GRCh38, 1-based): chr10:47,348,712, C>T. VCF-style: chr10-47348712-C-T. GRCh37 (hg19) VCF-style: chr10-48390650-G-A.
Other names: c.228C>T (NM_002900.2).
Identifiers: ClinVar variation 2192290 (VCV002192290.5), dbSNP rs564044501, ClinGen allele CA5487838.
Genomic context (GRCh38, chr10:47,348,712, plus strand): 5'-CAAGAGCCATGAGATTCTGAGCATCTCAGACCCGCAGACGCTGGCCAGTGTGCTGACAGC[C>T]GGGGTGCAGAGCTCCCTGAACGATCCTCGCCTGGTCATCTCCTATGAGCCCAGCACCCCC-3'
Protein context (NP_002891.1, residues 66-86): DPQTLASVLT[Ala76=]GVQSSLNDPR

ClinVar aggregate classification (germline): Likely benign. Review status: criteria provided, multiple submitters, no conflicts (2 of 4 stars). 2 submissions from 2 submitters: Likely benign (2). Last evaluated 2025-12-16.

Conditions:
RBP3-related disorder. Also called: RBP3-related condition.

Allele frequency attached by ClinVar (database versions not stated): gnomAD 0.00001; gnomAD exomes 0.00002; TOPMed 0.00002; ExAC 0.00005; 1000 Genomes Project 0.00020; 1000 Genomes Project 30x 0.00031.
gnomAD v4.1: 24 of 1,613,600 alleles (0.0015%); highest among the groups gnomAD compares: South Asian, 0.0055%; no homozygotes.

Submissions (2):

PreventionGenetics, part of Exact Sciences
Classification: Likely benign for RBP3-related condition. Last evaluated: 2025-12-16. Review status: criteria provided, single submitter. Criteria: ACMG Guidelines, 2015. Collection method: clinical testing. Allele origin: germline.
Comment: This variant is classified as likely benign based on ACMG/AMP sequence variant interpretation guidelines (Richards et al. 2015 PMID: 25741868, with internal and published modifications).

Labcorp Genetics (formerly Invitae), Labcorp
Classification: Likely benign. Last evaluated: 2024-10-31. Review status: criteria provided, single submitter. Criteria: Invitae Variant Classification Sherloc (09022015). Collection method: clinical testing. Allele origin: germline.